The following is an entry in ClinVar:

NM_000435.3(NOTCH3):c.6165G>A (p.Ala2055=)

Gene: NOTCH3 (notch receptor 3; minus strand). Cytogenetic location: 19p13.12.
Variant type: single nucleotide variant.
Coding change: c.6165G>A on transcript NM_000435.3 (MANE Select); coding-DNA position 6165, G replaced by A.
Protein change: p.Ala2055=; no amino-acid change (alanine 2055 retained).
Molecular consequence: synonymous variant.
Genome position (GRCh38, 1-based): chr19:15,161,463, C>T on the plus strand (G>A on the coding strand, the complement: NOTCH3 is on the minus strand). VCF-style: chr19-15161463-C-T. GRCh37 (hg19) VCF-style: chr19-15272274-C-T.
Identifiers: ClinVar variation 3768756 (VCV003768756.7).

ClinVar aggregate classification (germline): Likely benign. Review status: criteria provided, multiple submitters, no conflicts (2 of 4 stars). 2 submissions from 2 submitters: Likely benign (2). Last evaluated 2025-10-01.

gnomAD v4.1: 42 of 1,569,050 alleles (0.0027%); highest among the groups gnomAD compares: Middle Eastern, 0.017%; no homozygotes.

Submissions (2):

CeGaT Center for Human Genetics Tuebingen
Classification: Likely benign. Last evaluated: 2025-10-01. Review status: criteria provided, single submitter. Criteria: CeGaT Center For Human Genetics Tuebingen Variant Classification Criteria Version 2. Collection method: clinical testing. Allele origin: germline. Affected: yes. Observed: 1 variant allele.
Comment: NOTCH3: BP4, BP7

Women's Health and Genetics/Laboratory Corporation of America, LabCorp
Classification: Likely benign. Last evaluated: 2025-02-04. Review status: criteria provided, single submitter. Criteria: LabCorp Variant Classification Summary - May 2015. Collection method: clinical testing. Allele origin: germline.